The following is an entry in ClinVar:

NM_000048.4(ASL):c.1049T>C (p.Ile350Thr)

Gene: ASL (argininosuccinate lyase; plus strand). Cytogenetic location: 7q11.21.
Variant type: single nucleotide variant.
Coding change: c.1049T>C on transcript NM_000048.4 (MANE Select); coding-DNA position 1049, T replaced by C.
Protein change: p.Ile350Thr; replaces isoleucine 350 with threonine.
Molecular consequence: missense variant.
Genome position (GRCh38, 1-based): chr7:66,089,682, T>C. VCF-style: chr7-66089682-T-C. GRCh37 (hg19) VCF-style: chr7-65554669-T-C.
Other names: c.1049T>C, p.Ile350Thr (NM_001024943.2); c.989T>C, p.Ile330Thr (NM_001024944.2); c.971T>C, p.Ile324Thr (NM_001024946.2); short protein forms I330T, I324T, I350T.
Identifiers: ClinVar variation 1964163 (VCV001964163.2), dbSNP rs753041896, ClinGen allele CA4277259.

ClinVar aggregate classification (germline): Uncertain significance (1 of 4 stars; one submission).

Conditions:
Argininosuccinate lyase deficiency. Also called: ARGININOSUCCINIC ACID LYASE DEFICIENCY; ASL DEFICIENCY; Argininosuccinic aciduria. Identifiers: Orphanet 23, MedGen C0268547, MONDO:0008815, OMIM 207900, HP:0025630.

Allele frequency attached by ClinVar (database versions not stated): TOPMed below 0.00001; ExAC 0.00001; gnomAD exomes 0.00001; gnomAD 0.00002.
gnomAD v4.1: 16 of 1,613,316 alleles (0.00099%); highest among the groups gnomAD compares: Non-Finnish European, 0.0012%; no homozygotes.

Submission:

Labcorp Genetics (formerly Invitae), Labcorp
Classification: Uncertain significance for Argininosuccinate lyase deficiency. Last evaluated: 2022-05-10. Review status: criteria provided, single submitter. Criteria: Invitae Variant Classification Sherloc (09022015). Collection method: clinical testing. Allele origin: germline.
Comment: This sequence change replaces isoleucine, which is neutral and non-polar, with threonine, which is neutral and polar, at codon 350 of the ASL protein (p.Ile350Thr). This variant is present in population databases (rs753041896, gnomAD 0.003%). This variant has not been reported in the literature in individuals affected with ASL-related conditions. Advanced modeling of protein sequence and biophysical properties (such as structural, functional, and spatial information, amino acid conservation, physicochemical variation, residue mobility, and thermodynamic stability) performed at Invitae indicates that this missense variant is expected to disrupt ASL protein function. In summary, the available evidence is currently insufficient to determine the role of this variant in disease. Therefore, it has been classified as a Variant of Uncertain Significance.